The following is an entry in ClinVar:

ClinVar aggregate classification (germline): Likely benign. Review status: criteria provided, multiple submitters, no conflicts (2 of 4 stars). 4 submissions from 4 submitters: Likely benign (2). 2 of the submissions do not count toward it. Last evaluated 2025-12-06.

Conditions:
CDH23-related disorder. Also called: CDH23-related disorders; CDH23-related condition.
Usher syndrome type 1 (USH1). Also called: RETINITIS PIGMENTOSA AND CONGENITAL DEAFNESS. Identifiers: Orphanet 231169, Orphanet 886, MedGen C1568247, MONDO:0010168, OMIM 276900.

Allele frequency attached by ClinVar (database versions not stated): gnomAD 0.00004 and 0.00005; TOPMed 0.00005; ExAC 0.00010; gnomAD exomes 0.00010.
gnomAD v4.1: 147 of 1,614,050 alleles (0.0091%); highest among the groups gnomAD compares: Middle Eastern, 0.016%; no homozygotes.

Submissions (4):

Labcorp Genetics (formerly Invitae), Labcorp
Classification: Likely benign. Last evaluated: 2025-12-06. Review status: criteria provided, single submitter. Criteria: Invitae Variant Classification Sherloc (09022015). Collection method: clinical testing. Allele origin: germline.

Blueprint Genetics
Classification: Likely benign. Last evaluated: 2024-08-30. Review status: criteria provided, single submitter. Criteria: ACMG Guidelines, 2015. Collection method: clinical testing. Allele origin: germline.

PreventionGenetics, part of Exact Sciences
Classification: Likely benign for CDH23-related condition. Last evaluated: 2024-09-05. Review status: no assertion criteria provided. Collection method: clinical testing. Allele origin: germline. Not counted in ClinVar's aggregate classification.
Comment: This variant is classified as likely benign based on ACMG/AMP sequence variant interpretation guidelines (Richards et al. 2015 PMID: 25741868, with internal and published modifications).

Natera, Inc.
Classification: Likely benign for Usher syndrome type 1. Last evaluated: 2020-09-30. Review status: no assertion criteria provided. Collection method: clinical testing. Allele origin: germline. Not counted in ClinVar's aggregate classification.

NM_022124.6(CDH23):c.5535C>T (p.Asn1845=)

Gene: CDH23 (cadherin related 23; plus strand). Cytogenetic location: 10q22.1.
Variant type: single nucleotide variant.
Coding change: c.5535C>T on transcript NM_022124.6 (MANE Select); coding-DNA position 5535, C replaced by T.
Protein change: p.Asn1845=; no amino-acid change (asparagine 1845 retained).
Molecular consequence: synonymous variant.
Genome position (GRCh38, 1-based): chr10:71,784,923, C>T. VCF-style: chr10-71784923-C-T. GRCh37 (hg19) VCF-style: chr10-73544680-C-T.
Identifiers: ClinVar variation 765770 (VCV000765770.13), dbSNP rs779425775, ClinGen allele CA5545806.